The following is an entry in ClinVar:

NM_000400.4(ERCC2):c.1770T>G (p.Asn590Lys)

Gene: ERCC2 (ERCC excision repair 2, TFIIH core complex helicase subunit; minus strand). Cytogenetic location: 19q13.32.
Variant type: single nucleotide variant.
Coding change: c.1770T>G on transcript NM_000400.4 (MANE Select); coding-DNA position 1770, T replaced by G.
Protein change: p.Asn590Lys; replaces asparagine 590 with lysine.
Molecular consequence: missense variant.
Genome position (GRCh38, 1-based): chr19:45,353,144, A>C on the plus strand (T>G on the coding strand, the complement: ERCC2 is on the minus strand). VCF-style: chr19-45353144-A-C. GRCh37 (hg19) VCF-style: chr19-45856402-A-C.
Other names: short protein forms N590K.
Identifiers: ClinVar variation 1779798 (VCV001779798.2), dbSNP rs2123228299, ClinGen allele CA406364221.

ClinVar aggregate classification (germline): Uncertain significance (1 of 4 stars; one submission).

Conditions:
Inborn genetic diseases. Identifiers: MedGen C0950123, MeSH D030342.

Submission:

Ambry Genetics
Classification: Uncertain significance for Inborn genetic diseases. Last evaluated: 2021-12-11. Review status: criteria provided, single submitter. Criteria: Ambry Variant Classification Scheme 2023. Collection method: clinical testing. Allele origin: germline.
Comment: The p.N590K variant (also known as c.1770T>G), located in coding exon 19 of the ERCC2 gene, results from a T to G substitution at nucleotide position 1770. The asparagine at codon 590 is replaced by lysine, an amino acid with similar properties. This amino acid position is conserved. In addition, this alteration is predicted to be tolerated by in silico analysis. Since supporting evidence is limited at this time, the clinical significance of this alteration remains unclear.